The following is an entry in ClinVar:

NM_004655.4(AXIN2):c.714C>T (p.Asp238=)

Gene: AXIN2 (axin 2; minus strand). Cytogenetic location: 17q24.1.
Variant type: single nucleotide variant.
Coding change: c.714C>T on transcript NM_004655.4 (MANE Select); coding-DNA position 714, C replaced by T.
Protein change: p.Asp238=; no amino-acid change (aspartic acid 238 retained).
Molecular consequence: synonymous variant.
Genome position (GRCh38, 1-based): chr17:65,557,907, G>A on the plus strand (C>T on the coding strand, the complement: AXIN2 is on the minus strand). VCF-style: chr17-65557907-G-A. GRCh37 (hg19) VCF-style: chr17-63554025-G-A.
Other names: c.714C>T, p.Asp238= (NM_001363813.1).
Identifiers: ClinVar variation 795799 (VCV000795799.11), dbSNP rs1598119102, ClinGen allele CA501691372.

ClinVar aggregate classification (germline): Benign/Likely benign. Review status: criteria provided, multiple submitters, no conflicts (2 of 4 stars). 3 submissions from 3 submitters: Benign (1); Likely benign (2). Last evaluated 2024-06-27.

Conditions:
Hereditary cancer-predisposing syndrome. Also called: Neoplastic Syndromes, Hereditary; Hereditary neoplastic syndrome; Tumor predisposition; Hereditary Cancer Syndrome. Identifiers: Orphanet 140162, MedGen C0027672, MeSH D009386, MONDO:0015356.
Oligodontia-cancer predisposition syndrome. Also called: TOOTH AGENESIS-COLORECTAL CANCER SYNDROME. Identifiers: Orphanet 300576, MedGen C1837750, MONDO:0012075, OMIM 608615. Disease mechanism: loss of function.

Submissions (3):

Myriad Genetics, Inc.
Classification: Benign for Oligodontia-cancer predisposition syndrome. Last evaluated: 2024-06-27. Review status: criteria provided, single submitter. Criteria: Myriad Autosomal Dominant, Autosomal Recessive and X-Linked Classification Criteria (2023). Collection method: clinical testing. Allele origin: unknown.
Comment: This variant is considered benign. This variant is a silent/synonymous amino acid change and it is not expected to impact splicing.

Ambry Genetics
Classification: Likely benign for Hereditary cancer-predisposing syndrome. Last evaluated: 2020-12-06. Review status: criteria provided, single submitter. Criteria: Ambry Variant Classification Scheme 2023. Collection method: clinical testing. Allele origin: germline.

Labcorp Genetics (formerly Invitae), Labcorp
Classification: Likely benign for Oligodontia-cancer predisposition syndrome. Last evaluated: 2018-11-21. Review status: criteria provided, single submitter. Criteria: Invitae Variant Classification Sherloc (09022015). Collection method: clinical testing. Allele origin: germline.